The following is an entry in ClinVar:

ClinVar aggregate classification (germline): Uncertain significance (1 of 4 stars; one submission).

Conditions:
Spermatogenic failure 18. Identifiers: MedGen C4539783, MONDO:0054615, OMIM 617576.
Ciliary dyskinesia, primary, 37 (CILD37). Also called: CILIARY DYSKINESIA, PRIMARY, 37, WITH OR WITHOUT SITUS INVERSUS. Identifiers: MedGen C4539798, MONDO:0033204, OMIM 617577.

Allele frequency attached by ClinVar (database versions not stated): 1000 Genomes Project 0.00100; gnomAD 0.00008 and below 0.00001; gnomAD exomes 0.00020 and 0.00010; ExAC 0.00021; TOPMed 0.00002; 1000 Genomes Project 30x 0.00094.
gnomAD v4.1: 160 of 1,613,626 alleles (0.0099%); highest among the groups gnomAD compares: South Asian, 0.17%; 2 homozygotes.

Submission:

Labcorp Genetics (formerly Invitae), Labcorp
Classification: Uncertain significance for Ciliary dyskinesia, primary, 37; Spermatogenic failure 18. Last evaluated: 2025-02-14. Review status: criteria provided, single submitter. Criteria: Invitae Variant Classification Sherloc (09022015). Collection method: clinical testing. Allele origin: germline.
Comment: This sequence change replaces proline, which is neutral and non-polar, with leucine, which is neutral and non-polar, at codon 422 of the DNAH1 protein (p.Pro422Leu). This variant is present in population databases (rs568165971, gnomAD 0.2%). This variant has not been reported in the literature in individuals affected with DNAH1-related conditions. ClinVar contains an entry for this variant (Variation ID: 661792). An algorithm developed to predict the effect of missense changes on protein structure and function (PolyPhen-2) suggests that this variant is likely to be tolerated. In summary, the available evidence is currently insufficient to determine the role of this variant in disease. Therefore, it has been classified as a Variant of Uncertain Significance.

NM_015512.5(DNAH1):c.1265C>T (p.Pro422Leu)

Gene: DNAH1 (dynein axonemal heavy chain 1; plus strand). Cytogenetic location: 3p21.1.
Variant type: single nucleotide variant.
Coding change: c.1265C>T on transcript NM_015512.5 (MANE Select); coding-DNA position 1265, C replaced by T.
Protein change: p.Pro422Leu; replaces proline 422 with leucine.
Molecular consequence: missense variant.
Genome position (GRCh38, 1-based): chr3:52,332,373, C>T. VCF-style: chr3-52332373-C-T. GRCh37 (hg19) VCF-style: chr3-52366389-C-T.
Other names: short protein forms P422L.
Identifiers: ClinVar variation 661792 (VCV000661792.4), dbSNP rs568165971, ClinGen allele CA2432909.